The following is an entry in ClinVar:

ClinVar aggregate classification (germline): Likely benign (1 of 4 stars; one submission).

Allele frequency attached by ClinVar (database versions not stated): 1000 Genomes Project 0.00020; 1000 Genomes Project 30x 0.00031; TOPMed 0.00066; ESP Exome Variant Server 0.00077; ExAC 0.00159.
gnomAD v4.1: 2,090 of 1,613,848 alleles (0.13%); highest among the groups gnomAD compares: Non-Finnish European, 0.15%; 5 homozygotes.

Submission:

CeGaT Center for Human Genetics Tuebingen
Classification: Likely benign. Last evaluated: 2024-08-01. Review status: criteria provided, single submitter. Criteria: CeGaT Center For Human Genetics Tuebingen Variant Classification Criteria Version 2. Collection method: clinical testing. Allele origin: germline. Affected: yes. Observed: 2 variant alleles.
Comment: EP400: BP4, BP7

NM_015409.5(EP400):c.5064C>T (p.Pro1688=)

Gene: EP400 (E1A binding protein p400; plus strand). Cytogenetic location: 12q24.33.
Variant type: single nucleotide variant.
Coding change: c.5064C>T on transcript NM_015409.5 (MANE Select); coding-DNA position 5064, C replaced by T.
Protein change: p.Pro1688=; no amino-acid change (proline 1688 retained).
Molecular consequence: synonymous variant.
Genome position (GRCh38, 1-based): chr12:132,027,486, C>T. VCF-style: chr12-132027486-C-T. GRCh37 (hg19) VCF-style: chr12-132512031-C-T.
Identifiers: ClinVar variation 2643621 (VCV002643621.24), dbSNP rs146646475, ClinGen allele CA6885905.